The following is an entry in ClinVar:

NM_003482.4(KMT2D):c.7211C>T (p.Pro2404Leu)

Gene: KMT2D (lysine methyltransferase 2D; minus strand). Cytogenetic location: 12q13.12.
Variant type: single nucleotide variant.
Coding change: c.7211C>T on transcript NM_003482.4 (MANE Select); coding-DNA position 7211, C replaced by T.
Protein change: p.Pro2404Leu; replaces proline 2404 with leucine.
Molecular consequence: missense variant.
Genome position (GRCh38, 1-based): chr12:49,040,559, G>A on the plus strand (C>T on the coding strand, the complement: KMT2D is on the minus strand). VCF-style: chr12-49040559-G-A. GRCh37 (hg19) VCF-style: chr12-49434342-G-A.
Other names: short protein forms P2404L.
Identifiers: ClinVar variation 5001415 (VCV005001415.1).

ClinVar aggregate classification (germline): Uncertain significance (1 of 4 stars; one submission).

Conditions:
KMT2D-related disorder. Also called: KMT2D-Related Disorders.

gnomAD v4.1: 2 of 1,612,276 alleles (0.00012%); highest among the groups gnomAD compares: South Asian, 0.0011%; no homozygotes.

Submission:

PreventionGenetics, part of Exact Sciences
Classification: Uncertain significance for KMT2D-related condition. Last evaluated: 2024-12-17. Review status: criteria provided, single submitter. Criteria: ACMG Guidelines, 2015. Collection method: clinical testing. Allele origin: germline.
Comment: The KMT2D c.7211C>T variant is predicted to result in the amino acid substitution p.Pro2404Leu. To our knowledge, this variant has not been reported in the literature or in a large population database (gnomAD), indicating this variant is rare. At this time, the clinical significance of this variant is uncertain due to the absence of conclusive functional and genetic evidence.